The following is an entry in ClinVar:

ClinVar aggregate classification (germline): Conflicting classifications of pathogenicity; risk factor. Review status: criteria provided, conflicting classifications (1 of 4 stars). 12 submissions from 12 submitters: Likely pathogenic (1); Uncertain significance (5); Likely benign (2). 3 of the submissions do not count toward it. Last evaluated 2025-12-14.

Conditions:
KCNE2-related disorder. Also called: KCNE2-Related Disorders; KCNE2-related condition. Identifiers: MedGen CN239320.
Cardiovascular phenotype. Identifiers: MedGen CN230736.
Cardiac arrhythmia. Also called: Cardiac rhythm disease; Arrhythmia. Identifiers: MedGen C0003811, MONDO:0007263, HP:0011675.
Familial long QT syndrome (RWS). Also called: Romano-Ward syndrome; VENTRICULAR FIBRILLATION WITH PROLONGED QT INTERVAL; Congenital long QT syndrome. Identifiers: Orphanet 768, MedGen C1141890, MONDO:0019171.
Long QT syndrome (LQTS). Identifiers: MedGen C0023976, MeSH D008133, MONDO:0002442. Disease mechanism: loss of function. Inheritance: Various modes of inheritance.
Long QT syndrome 6 (LQT6). Identifiers: Orphanet 101016, Orphanet 768, MedGen C3150953, MONDO:0013370, OMIM 613693.

Allele frequency attached by ClinVar (database versions not stated): gnomAD exomes 0.00013 and 0.00026; TOPMed 0.00020; ExAC 0.00024; gnomAD 0.00024 and 0.00023.

Submissions (12):

Labcorp Genetics (formerly Invitae), Labcorp
Classification: Uncertain significance for Long QT syndrome 6. Last evaluated: 2025-12-14. Review status: criteria provided, single submitter. Criteria: Invitae Variant Classification Sherloc (09022015). Collection method: clinical testing. Allele origin: germline.
Comment: This sequence change replaces methionine, which is neutral and non-polar, with threonine, which is neutral and polar, at codon 54 of the KCNE2 protein (p.Met54Thr). This variant is present in population databases (rs74315447, gnomAD 0.5%), and has an allele count higher than expected for a pathogenic variant. This missense change has been observed in individual(s) with clinical features of KCNE2-related conditions (PMID: 10219239, 23936059, 26159999, 31737537, 33626434). ClinVar contains an entry for this variant (Variation ID: 6053). An algorithm developed to predict the effect of missense changes on protein structure and function (PolyPhen-2) suggests that this variant is likely to be disruptive. Experimental studies have shown that this missense change affects KCNE2 function (PMID: 19219384, 20042375, 23631727, 31235733). In summary, the available evidence is currently insufficient to determine the role of this variant in disease. Therefore, it has been classified as a Variant of Uncertain Significance.

Women's Health and Genetics/Laboratory Corporation of America, LabCorp
Classification: Uncertain significance. Last evaluated: 2025-01-23. Review status: criteria provided, single submitter. Criteria: LabCorp Variant Classification Summary - May 2015. Collection method: clinical testing. Allele origin: germline.
Comment: Variant summary: KCNE2 c.161T>C (p.Met54Thr) results in a non-conservative amino acid change in the encoded protein sequence. Five of five in-silico tools predict a damaging effect of the variant on protein function. The variant allele was found at a frequency of 0.00015 in 1614106 control chromosomes. The observed variant frequency is approximately 2-fold of the estimated maximal expected allele frequency for a pathogenic variant in KCNE2 causing Arrhythmia phenotype (7e-05). c.161T>C has been reported in the literature in individuals affected with arrhythia and long QT syndrome (e.g. Abbott_1999, Nawathe_2013, Marschall_2019), but has also been reported in at least one individual who was determined not to have a long QT syndrome phenotype (e.g. Roberts_2017). These reports do not provide unequivocal conclusions about association of the variant with disease. Several publications report experimental evidence evaluating an impact on protein function and found that the variant impacts channel function, slowing activation and increasing channel deactivation (e.g. Abbott_1999, McCrossan_2009, Nawthe_2013, Lussier_2019), however, these findings do not allow clear conclusions about the clinical impact of the variant effect. The following publications have been ascertained in the context of this evaluation (PMID: 10219239, 19219384, 23631727, 31235733, 28794082, 31737537). ClinVar contains an entry for this variant (Variation ID: 6053). Based on the evidence outlined above, the variant was classified as VUS-possibly benign.

Blueprint Genetics
Classification: Likely benign. Last evaluated: 2024-10-11. Review status: criteria provided, single submitter. Criteria: ACMG Guidelines, 2015. Collection method: clinical testing. Allele origin: germline.

GeneDx
Classification: Uncertain significance. Last evaluated: 2024-09-05. Review status: criteria provided, single submitter. Criteria: GeneDx Variant Classification Process June 2021. Collection method: clinical testing. Allele origin: germline. Affected: yes.
Comment: Multiple functional studies demonstrate that p.(M54T) has a significant effect on potassium ion channel function in the heart (PMID: 19219384, 10219239, 12923204, 20042375); In silico analysis supports that this missense variant has a deleterious effect on protein structure/function; This variant is associated with the following publications: (PMID: 20042375, 24569893, 24631769, 25333069, 10984545, 24631775, 26159999, 12923204, 19716085, 22677073, 23631727, 26859003, 28316956, 28794082, 10219239, 22378279, 25637381, 18006462, 14760488, 29661707, 30123799, 34426522, 19219384, 32078429, 34930020, 31235733, 23936059, 33626434, 31737537, 34247280, 33324689, 31447099, 25351510, 35125083, 34709746, 31980526)

Lildballe Lab, Aarhus University Hospital
Classification: Uncertain significance for Long QT syndrome. Last evaluated: 2024-03-01. Review status: criteria provided, single submitter. Criteria: ACMG Guidelines, 2015. Collection method: research. Allele origin: germline. Affected: yes.
Comment: PM2(s), PP2(m), PP3(s), BP6(s)

Department of Pathology and Laboratory Medicine, Sinai Health System
Classification: Uncertain significance for Long QT syndrome 6. Last evaluated: 2023-03-09. Review status: criteria provided, single submitter. Criteria: ACMG Guidelines, 2015. Collection method: research. Allele origin: germline.

Ambry Genetics
Classification: Likely benign for Cardiovascular phenotype. Last evaluated: 2020-02-18. Review status: criteria provided, single submitter. Criteria: Ambry Variant Classification Scheme 2023. Collection method: clinical testing. Allele origin: germline.

Human Genome Sequencing Center Clinical Lab, Baylor College of Medicine
Classification: risk factor for Long QT syndrome 6. Last evaluated: 2018-03-17. Review status: criteria provided, single submitter. Criteria: ACMG Guidelines, 2015. Collection method: clinical testing. Allele origin: germline.
Comment: This c.161T>C (p.Met54Thr) variant in the KCNE2 gene has been reported in patients with variable presentations such as arrythmias, sinus bradycardia and long QT syndrome [PMID 10219239, 19716085, 23631727]. This variant was first reported in a patient with atypical response to exercise with prolonged QTc intervals [PMID 10219239]. In vitro functional assays showed that the variant affect protein function [PMID 23631727, 20042375, 24569893]. This variant has been detected in 29 heterozygous individuals from Europe in the ExAC population database. Methionine at amino acid position 54 of the KCNE2 protein is highly conserved in mammals. While not validated for clinical use, computer-based algorithms SIFT and Polyphen-2 predict this p.Met54Thr change to be deleterious. This variant is thus classified as a risk factor.

Illumina Laboratory Services, Illumina
Classification: Likely pathogenic for KCNE2-Related Disorders. Last evaluated: 2017-04-28. Review status: criteria provided, single submitter. Criteria: ICSL Variant Classification Criteria 09 May 2019. Collection method: clinical testing. Allele origin: germline.
Comment: The KCNE2 c.161T>C (p.Met54Thr) variant has been reported in at least four studies in individuals with long QT syndrome (LQTS), drug-induced LQTS, or sudden unexplained death (SUD), and is found in a heterozygous state in six individuals (Abbot et al. 1999; Sesti et al. 2000; Kapplinger et al. 2009; Wang et al. 2014). The p.Met54Thr variant was also identified in two of over 6100 presumed healthy individuals (Freudenberg-Hua et al. 2014; Ghouse et al. 2015). The p.Met54Thr variant was absent from over 2300 controls and is reported at a frequency of 0.00043 in the European (non-Finnish) population of the Exome Aggregation Consortium. Functional studies indicated that the p.Met54Thr variant causes a reduction in current density in the potassium ion channel (Abbot et al. 1999; Sesti et al. 2000; Wu et al. 2010). Based on the collective evidence, the p.Met54Thr variant is classified as likely pathogenic for KCNE2-related disorders. This variant was observed by ICSL as part of a predisposition screen in an ostensibly healthy population.

CSER _CC_NCGL, University of Washington
Classification: Likely pathogenic for Cardiac arrhythmia. Last evaluated: 2014-06-01. Review status: no assertion criteria provided. Collection method: research. Allele origin: germline. Inheritance: Autosomal dominant inheritance. Study: ESP 6500 variant annotation. Not counted in ClinVar's aggregate classification.
Comment: Variants classified for the Actionable exomic incidental findings in 6503 participants: challenges of variant classification manuscript

OMIM
Classification: Pathogenic for LONG QT SYNDROME 6. Last evaluated: 1999-04-16. Review status: no assertion criteria provided. Collection method: literature only. Allele origin: germline. Not counted in ClinVar's aggregate classification.

Cardiovascular Biomedical Research Unit, Royal Brompton & Harefield NHS Foundation Trust
No classification provided. Condition: Familial long QT syndrome. Review status: no classification provided. Collection method: literature only. Allele origin: germline. Not counted in ClinVar's aggregate classification.
Comment: This variant has been reported as associated with Long QT syndrome in the following publications (PMID:10219239;PMID:10984545;PMID:14760488;PMID:19716085;PMID:20042375;PMID:22378279). This is a literature report, and does not necessarily reflect the clinical interpretation of the Imperial College / Royal Brompton Cardiovascular Genetics laboratory.

Literature cited by the submitters: PubMed 10219239 (cited by 6 submitters); PubMed 23936059 (cited by Labcorp Genetics (formerly Invitae), Labcorp); PubMed 26159999 (cited by 3 submitters); PubMed 31737537 (cited by Labcorp Genetics (formerly Invitae), Labcorp and Women's Health and Genetics/Laboratory Corporation of America, LabCorp); PubMed 33626434 (cited by Labcorp Genetics (formerly Invitae), Labcorp); PubMed 19219384 (cited by Labcorp Genetics (formerly Invitae), Labcorp and Women's Health and Genetics/Laboratory Corporation of America, LabCorp); PubMed 20042375 (cited by 4 submitters); PubMed 23631727 (cited by 3 submitters); PubMed 31235733 (cited by Labcorp Genetics (formerly Invitae), Labcorp and Women's Health and Genetics/Laboratory Corporation of America, LabCorp); PubMed 28794082 (cited by Women's Health and Genetics/Laboratory Corporation of America, LabCorp and Ambry Genetics); PubMed 25741880 (cited by Lildballe Lab, Aarhus University Hospital); PubMed 39481677 (cited by Lildballe Lab, Aarhus University Hospital); PubMed 10984545 (cited by 3 submitters); PubMed 19716085 (cited by 3 submitters); PubMed 22378279 (cited by Ambry Genetics and Cardiovascular Biomedical Research Unit, Royal Brompton & Harefield NHS Foundation Trust); PubMed 24569893 (cited by Ambry Genetics); PubMed 24631775 (cited by Ambry Genetics and Illumina Laboratory Services, Illumina); PubMed 25333069 (cited by Ambry Genetics and Illumina Laboratory Services, Illumina); PubMed 25351510 (cited by Ambry Genetics); PubMed 25637381 (cited by Ambry Genetics); PubMed 26859003 (cited by Ambry Genetics); PubMed 29661707 (cited by Ambry Genetics); PubMed 31447099 (cited by Ambry Genetics); PubMed 14760488 (cited by Cardiovascular Biomedical Research Unit, Royal Brompton & Harefield NHS Foundation Trust); PubMed 22581653 (cited by Cardiovascular Biomedical Research Unit, Royal Brompton & Harefield NHS Foundation Trust).

NM_172201.2(KCNE2):c.161T>C (p.Met54Thr)

Genes: KCNE2 (potassium voltage-gated channel subfamily E regulatory subunit 2; plus strand), LOC105372791 (uncharacterized LOC105372791; minus strand). Cytogenetic location: 21q22.11.
Variant type: single nucleotide variant.
Coding change: c.161T>C on transcript NM_172201.2 (MANE Select); coding-DNA position 161, T replaced by C.
Protein change: p.Met54Thr; replaces methionine 54 with threonine.
Molecular consequence: missense variant.
Genome position (GRCh38, 1-based): chr21:34,370,639, T>C. VCF-style: chr21-34370639-T-C. GRCh37 (hg19) VCF-style: chr21-35742938-T-C.
Other names: p.M54T:ATG>ACG; c.161T>C (LRG_291t1); short protein forms M54T.
Identifiers: ClinVar variation 6053 (VCV000006053.26), dbSNP rs74315447, ClinGen allele CA253741.